The following is an entry in ClinVar:

ClinVar aggregate classification (germline): Uncertain significance. Review status: criteria provided, multiple submitters, no conflicts (2 of 4 stars). 2 submissions from 2 submitters: Uncertain significance (2). Last evaluated 2024-02-17.

Conditions:
Primary ciliary dyskinesia. Also called: Ciliary dyskinesia. Identifiers: Orphanet 244, MedGen C0008780, MONDO:0016575, HP:0012265.

gnomAD v4.1: 3 of 1,613,664 alleles (0.00019%); highest among the groups gnomAD compares: East Asian, 0.0067%; no homozygotes.

Submissions (2):

Ambry Genetics
Classification: Uncertain significance for Primary ciliary dyskinesia. Last evaluated: 2024-02-17. Review status: criteria provided, single submitter. Criteria: Ambry Variant Classification Scheme 2023. Collection method: clinical testing. Allele origin: germline.

Labcorp Genetics (formerly Invitae), Labcorp
Classification: Uncertain significance for Primary ciliary dyskinesia. Last evaluated: 2022-09-01. Review status: criteria provided, single submitter. Criteria: Invitae Variant Classification Sherloc (09022015). Collection method: clinical testing. Allele origin: germline.
Comment: This sequence change replaces serine, which is neutral and polar, with arginine, which is basic and polar, at codon 3 of the CCDC39 protein (p.Ser3Arg). This variant is present in population databases (rs757699907, gnomAD 0.02%). This variant has not been reported in the literature in individuals affected with CCDC39-related conditions. ClinVar contains an entry for this variant (Variation ID: 864315). Algorithms developed to predict the effect of missense changes on protein structure and function output the following: SIFT: "Tolerated"; PolyPhen-2: "Benign"; Align-GVGD: "Class C0". The arginine amino acid residue is found in multiple mammalian species, which suggests that this missense change does not adversely affect protein function. In summary, the available evidence is currently insufficient to determine the role of this variant in disease. Therefore, it has been classified as a Variant of Uncertain Significance.

NM_181426.2(CCDC39):c.7A>C (p.Ser3Arg)

Gene: CCDC39 (coiled-coil domain 39 molecular ruler complex subunit; minus strand). Cytogenetic location: 3q26.33.
Variant type: single nucleotide variant.
Coding change: c.7A>C on transcript NM_181426.2 (MANE Select); coding-DNA position 7, A replaced by C.
Protein change: p.Ser3Arg; replaces serine 3 with arginine.
Molecular consequence: missense variant.
Genome position (GRCh38, 1-based): chr3:180,679,374, T>G on the plus strand (A>C on the coding strand, the complement: CCDC39 is on the minus strand). VCF-style: chr3-180679374-T-G. GRCh37 (hg19) VCF-style: chr3-180397162-T-G.
Other names: short protein forms S3R.
Identifiers: ClinVar variation 864315 (VCV000864315.4), dbSNP rs757699907, ClinGen allele CA2716278.